The following is an entry in ClinVar:

ClinVar aggregate classification (germline): Likely benign (1 of 4 stars; one submission).

Allele frequency attached by ClinVar (database versions not stated): TOPMed 0.00003; gnomAD exomes below 0.00001.
gnomAD v4.1: 1 of 1,614,230 alleles (0.000062%); highest among the groups gnomAD compares: Non-Finnish European, 0.000085%; no homozygotes.

Submission:

ARUP Laboratories, Molecular Genetics and Genomics, ARUP Laboratories
Classification: Likely benign. Last evaluated: 2018-02-22. Review status: criteria provided, single submitter. Criteria: ARUP Molecular Germline Variant Investigation Process. Collection method: clinical testing. Allele origin: germline.
Comment: The c.1911A>G; p.Lys637Lys variant does not alter the amino acid sequence of the ARHGEF10 protein and computational splice site prediction algorithms do not predict a change in the nearest splice site or creation of a cryptic splice site. This variant has not been reported in medical literature or in gene specific variation databases. This variant is absent from the general population databases (1000 Genomes Project, Exome Variant Server, Genome Aggregation Database), indicating it is not a common polymorphism. Based on the available information, the c.1911A>G variant is likely to be benign.

NM_014629.4(ARHGEF10):c.1911A>G (p.Lys637=)

Gene: ARHGEF10 (Rho guanine nucleotide exchange factor 10; plus strand). Cytogenetic location: 8p23.3.
Variant type: single nucleotide variant.
Coding change: c.1911A>G on transcript NM_014629.4 (MANE Select); coding-DNA position 1911, A replaced by G.
Protein change: p.Lys637=; no amino-acid change (lysine 637 retained).
Molecular consequence: synonymous variant.
Genome position (GRCh38, 1-based): chr8:1,905,660, A>G. VCF-style: chr8-1905660-A-G. GRCh37 (hg19) VCF-style: chr8-1853826-A-G.
Other names: c.1797A>G, p.Lys599= (NM_001308152.2); c.1911A>G, p.Lys637= (NM_001308153.3).
Identifiers: ClinVar variation 618535 (VCV000618535.8), dbSNP rs1222847857, ClinGen allele CA459053295.